The following is an entry in ClinVar:

ClinVar aggregate classification (germline): Pathogenic (0 of 4 stars; one submission).

Conditions:
Steinert myotonic dystrophy syndrome (DM1). Also called: STEINERT DISEASE; Myotonic dystrophy type 1; Dystrophia myotonica type 1; Steinert myotonic dystrophy; Steinert's disease. Identifiers: Orphanet 273, MedGen C3250443, MONDO:0008056, OMIM 160900.

Submission:

Institute of Molecular, Cell and Systems Biology, University of Glasgow
Classification: Pathogenic for Steinert myotonic dystrophy syndrome. Review status: no assertion criteria provided. Criteria: research. Collection method: research. Allele origin: germline. Inheritance: Autosomal dominant inheritance. Affected: yes. Observed: 1 heterozygote.
Comment: DMPK CTG repeat expansions greater than approximately 45-50 repeats are assumed to be pathogenic

This record is based on data published in PubMed 25052313, which reports only ClinVar accessions SCV000120188 and SCV000120189. The complete data set includes SCV000207445 - SCV000207579.

Literature cited by the submitters: PubMed 1346923; PubMed 1546326; PubMed 25052313.

NM_004409.5(DMPK):c.*224CTG[508]

Genes: DM1-AS (DM1 locus antisense RNA; plus strand), DMPK (DM1 protein kinase; minus strand), LOC107075317 (origin of replication in DMPK trinucleotide repeat region; plus strand), LOC109461477 (dystrophia myotonica protein kinase repeat instability region; plus strand). Cytogenetic location: 19q13.32.
Variant type: Microsatellite.
Coding change: c.*224CTG[508] on transcript NM_004409.5 (MANE Select); 508 copies in a row of the 3-base unit CTG starting at c.*224.
Molecular consequence: 3 prime UTR variant.
Genome position: GRCh38, VCF-style position (the base before the change): chr19:45,770,204. GRCh37 (hg19), VCF-style position (the base before the change): chr19:46,273,462.
Other names: DM1 CTG repeat expansion; c.*369CTG[508] (NM_001424164.1, NM_001424168.1, NM_001288766.2); c.*224CTG[508] (NM_001424165.1, NM_001288764.2, NM_001424169.1 and 1 more transcripts); c.*217CTG[508] (NM_001424166.1, NM_001288765.2, NM_001424162.1 and 2 more transcripts); c.*222_*224TGC[508] (NM_001081563.3).
Identifiers: ClinVar variation 187995 (VCV000187995.1), ClinGen allele CA915951817.